The following is an entry in ClinVar:

ClinVar aggregate classification (germline): Uncertain significance (1 of 4 stars; one submission).

gnomAD v4.1: 2 of 1,613,486 alleles (0.00012%); highest among the groups gnomAD compares: Non-Finnish European, 0.00017%; no homozygotes.

Submission:

Labcorp Genetics (formerly Invitae), Labcorp
Classification: Uncertain significance. Last evaluated: 2025-11-23. Review status: criteria provided, single submitter. Criteria: Invitae Variant Classification Sherloc (09022015). Collection method: clinical testing. Allele origin: germline.
Comment: This sequence change replaces valine, which is neutral and non-polar, with isoleucine, which is neutral and non-polar, at codon 317 of the CEP97 protein (p.Val317Ile). This variant is not present in population databases (gnomAD no frequency). This variant has not been reported in the literature in individuals affected with CEP97-related conditions. Invitae Evidence Modeling of protein sequence and biophysical properties (such as structural, functional, and spatial information, amino acid conservation, physicochemical variation, residue mobility, and thermodynamic stability) indicates that this missense variant is not expected to disrupt CEP97 protein function with a negative predictive value of 80%. In summary, the available evidence is currently insufficient to determine the role of this variant in disease. Therefore, it has been classified as a Variant of Uncertain Significance.

NM_024548.4(CEP97):c.949G>A (p.Val317Ile)

Gene: CEP97 (centrosomal protein 97; plus strand). Cytogenetic location: 3q12.3.
Variant type: single nucleotide variant.
Coding change: c.949G>A on transcript NM_024548.4 (MANE Select); coding-DNA position 949, G replaced by A.
Protein change: p.Val317Ile; replaces valine 317 with isoleucine.
Molecular consequence: missense variant.
Genome position (GRCh38, 1-based): chr3:101,757,118, G>A. VCF-style: chr3-101757118-G-A. GRCh37 (hg19) VCF-style: chr3-101475962-G-A.
Other names: c.949G>A, p.Val317Ile (NM_001303401.2); c.847G>A, p.Val283Ile (NM_001410784.1, NM_001410785.1); short protein forms V283I, V317I.
Identifiers: ClinVar variation 4780969 (VCV004780969.1).